The following is an entry in ClinVar:

ClinVar aggregate classification (germline): Likely benign. Review status: criteria provided, single submitter (1 of 4 stars). 2 submissions from 2 submitters: Likely benign (1). 1 of the submissions does not count toward it. Last evaluated 2025-12-05.

Conditions:
JMJD1C-related disorder. Also called: JMJD1C-related condition.
Early Myoclonic Encephalopathy. Identifiers: MedGen C0270855.

Allele frequency attached by ClinVar (database versions not stated): 1000 Genomes Project 30x 0.00078; gnomAD 0.00068 and 0.00066; TOPMed 0.00087; gnomAD exomes 0.00005 and 0.00016; ExAC 0.00017; ESP Exome Variant Server 0.00084; 1000 Genomes Project 0.00100.
gnomAD v4.1: 188 of 1,614,148 alleles (0.012%); highest among the groups gnomAD compares: African/African-American, 0.19%; no homozygotes.

Submissions (2):

Labcorp Genetics (formerly Invitae), Labcorp
Classification: Likely benign for Early Myoclonic Encephalopathy. Last evaluated: 2025-12-05. Review status: criteria provided, single submitter. Criteria: Invitae Variant Classification Sherloc (09022015). Collection method: clinical testing. Allele origin: germline.

PreventionGenetics, part of Exact Sciences
Classification: Likely benign for JMJD1C-related condition. Last evaluated: 2022-05-09. Review status: no assertion criteria provided. Collection method: clinical testing. Allele origin: germline. Not counted in ClinVar's aggregate classification.
Comment: This variant is classified as likely benign based on ACMG/AMP sequence variant interpretation guidelines (Richards et al. 2015 PMID: 25741868, with internal and published modifications).

NM_032776.3(JMJD1C):c.1544A>G (p.Asp515Gly)

Gene: JMJD1C (jumonji domain containing 1C; minus strand). Cytogenetic location: 10q21.3.
Variant type: single nucleotide variant.
Coding change: c.1544A>G on transcript NM_032776.3 (MANE Select); coding-DNA position 1544, A replaced by G.
Protein change: p.Asp515Gly; replaces aspartic acid 515 with glycine.
Molecular consequence: missense variant. On other transcripts: non-coding transcript variant (1).
Genome position (GRCh38, 1-based): chr10:63,214,623, T>C on the plus strand (A>G on the coding strand, the complement: JMJD1C is on the minus strand). VCF-style: chr10-63214623-T-C. GRCh37 (hg19) VCF-style: chr10-64974383-T-C.
Other names: c.998A>G, p.Asp333Gly (NM_001282948.2, NM_001318154.2); c.680A>G, p.Asp227Gly (NM_001318153.2); c.1430A>G, p.Asp477Gly (NM_001322252.2); c.887A>G, p.Asp296Gly (NM_001322254.2, NM_001322258.2); short protein forms D515G, D227G, D296G, D333G, D477G.
Identifiers: ClinVar variation 460219 (VCV000460219.14), dbSNP rs61758117, ClinGen allele CA5518786.